The following is an entry in ClinVar:

ClinVar aggregate classification (germline): Uncertain significance. Review status: criteria provided, multiple submitters, no conflicts (2 of 4 stars). 2 submissions from 2 submitters: Uncertain significance (2). Last evaluated 2026-05-18.

Conditions:
Inborn genetic diseases. Identifiers: MedGen C0950123, MeSH D030342.

Submissions (2):

Ambry Genetics
Classification: Uncertain significance for Inborn genetic diseases. Last evaluated: 2026-05-18. Review status: criteria provided, single submitter. Criteria: Ambry Variant Classification Scheme 2023. Collection method: clinical testing. Allele origin: germline.
Comment: The p.S304G variant (also known as c.910A>G), located in coding exon 3 of the MBD4 gene, results from an A to G substitution at nucleotide position 910. The serine at codon 304 is replaced by glycine, an amino acid with similar properties. This amino acid position is conserved. In addition, this alteration is predicted to be tolerated by in silico analysis. Based on the available evidence, the clinical significance of this variant remains unclear.

Labcorp Genetics (formerly Invitae), Labcorp
Classification: Uncertain significance. Last evaluated: 2024-06-05. Review status: criteria provided, single submitter. Criteria: Invitae Variant Classification Sherloc (09022015). Collection method: clinical testing. Allele origin: germline.
Comment: This sequence change replaces serine, which is neutral and polar, with glycine, which is neutral and non-polar, at codon 304 of the MBD4 protein (p.Ser304Gly). This variant is not present in population databases (gnomAD no frequency). This variant has not been reported in the literature in individuals affected with MBD4-related conditions. Algorithms developed to predict the effect of missense changes on protein structure and function output the following: SIFT: "Not Available"; PolyPhen-2: "Benign"; Align-GVGD: "Not Available". The glycine amino acid residue is found in multiple mammalian species, which suggests that this missense change does not adversely affect protein function. In summary, the available evidence is currently insufficient to determine the role of this variant in disease. Therefore, it has been classified as a Variant of Uncertain Significance.

NM_001276270.2(MBD4):c.910A>G (p.Ser304Gly)

Gene: MBD4 (methyl-CpG binding domain 4, DNA glycosylase; minus strand). Cytogenetic location: 3q21.3.
Variant type: single nucleotide variant.
Coding change: c.910A>G on transcript NM_001276270.2 (MANE Select); coding-DNA position 910, A replaced by G.
Protein change: p.Ser304Gly; replaces serine 304 with glycine.
Molecular consequence: missense variant. On other transcripts: intron variant (1).
Genome position (GRCh38, 1-based): chr3:129,436,734, T>C on the plus strand (A>G on the coding strand, the complement: MBD4 is on the minus strand). VCF-style: chr3-129436734-T-C. GRCh37 (hg19) VCF-style: chr3-129155577-T-C.
Other names: c.910A>G, p.Ser304Gly (NM_001276271.2, NM_001276272.2, NM_003925.3); c.247+1074A>G (NM_001276273.2); short protein forms S304G.
Identifiers: ClinVar variation 3644758 (VCV003644758.3).